The following is an entry in ClinVar:

ClinVar aggregate classification (germline): Uncertain significance (1 of 4 stars; one submission).

Submission:

Mayo Clinic Laboratories, Mayo Clinic
Classification: Uncertain significance. Last evaluated: 2023-12-08. Review status: criteria provided, single submitter. Criteria: ACMG Guidelines, 2015. Collection method: clinical testing. Allele origin: germline. Observed: 2 variant alleles.
Comment: PM2

NM_001201550.3(CFHR4):c.1518G>C (p.Trp506Cys)

Gene: CFHR4 (complement factor H related 4; plus strand). Cytogenetic location: 1q31.3.
Variant type: single nucleotide variant.
Coding change: c.1518G>C on transcript NM_001201550.3 (MANE Select); coding-DNA position 1518, G replaced by C.
Protein change: p.Trp506Cys; replaces tryptophan 506 with cysteine.
Molecular consequence: missense variant.
Genome position (GRCh38, 1-based): chr1:196,915,116, G>C. VCF-style: chr1-196915116-G-C. GRCh37 (hg19) VCF-style: chr1-196884246-G-C.
Other names: p.Trp505Cys; c.1515G>C, p.Trp505Cys (NM_001201551.2); c.777G>C, p.Trp259Cys (NM_006684.5); short protein forms W259C, W505C, W506C.
Identifiers: ClinVar variation 3380403 (VCV003380403.1).